The following is an entry in ClinVar:

ClinVar aggregate classification (germline): Uncertain significance (1 of 4 stars; one submission).

Conditions:
Hereditary nonpolyposis colorectal neoplasms. Identifiers: MedGen C0009405, MeSH D003123.

Submission:

Labcorp Genetics (formerly Invitae), Labcorp
Classification: Uncertain significance for Hereditary nonpolyposis colorectal neoplasms. Last evaluated: 2022-08-20. Review status: criteria provided, single submitter. Criteria: Invitae Variant Classification Sherloc (09022015). Collection method: clinical testing. Allele origin: germline.
Comment: This sequence change replaces isoleucine, which is neutral and non-polar, with phenylalanine, which is neutral and non-polar, at codon 886 of the MSH6 protein (p.Ile886Phe). This variant is not present in population databases (gnomAD no frequency). This variant has not been reported in the literature in individuals affected with MSH6-related conditions. Advanced modeling of protein sequence and biophysical properties (such as structural, functional, and spatial information, amino acid conservation, physicochemical variation, residue mobility, and thermodynamic stability) performed at Invitae indicates that this missense variant is not expected to disrupt MSH6 protein function. In summary, the available evidence is currently insufficient to determine the role of this variant in disease. Therefore, it has been classified as a Variant of Uncertain Significance.

NM_000179.3(MSH6):c.2656A>T (p.Ile886Phe)

Gene: MSH6 (mutS homolog 6; plus strand). Cytogenetic location: 2p16.3.
Variant type: single nucleotide variant.
Coding change: c.2656A>T on transcript NM_000179.3 (MANE Select); coding-DNA position 2656, A replaced by T.
Protein change: p.Ile886Phe; replaces isoleucine 886 with phenylalanine.
Molecular consequence: missense variant.
Genome position (GRCh38, 1-based): chr2:47,800,639, A>T. VCF-style: chr2-47800639-A-T. GRCh37 (hg19) VCF-style: chr2-48027778-A-T.
Other names: c.2266A>T, p.Ile756Phe (NM_001281492.2); c.1750A>T, p.Ile584Phe (NM_001281493.2, NM_001281494.2, NM_001406811.1 and 6 more transcripts); c.2752A>T, p.Ile918Phe (NM_001406795.1, NM_001406802.1); c.2656A>T, p.Ile886Phe (NM_001406796.1, NM_001406798.1, NM_001406800.1 and 2 more transcripts); c.2359A>T, p.Ile787Phe (NM_001406797.1, NM_001406801.1, NM_001406805.1 and 10 more transcripts); c.2131A>T, p.Ile711Phe (NM_001406799.1, NM_001406806.1, NM_001406807.1); c.2578A>T, p.Ile860Phe (NM_001406804.1); c.2662A>T, p.Ile888Phe (NM_001406813.1); and 1 more; short protein forms I584F, I711F, I756F, I787F, I830F, I860F, I886F, I888F.
Identifiers: ClinVar variation 1717019 (VCV001717019.3), dbSNP rs2020914, ClinGen allele CA346755183.